The following is an entry in ClinVar:

NM_032888.4(COL27A1):c.199G>A (p.Val67Ile)

Gene: COL27A1 (collagen type XXVII alpha 1 chain; plus strand). Cytogenetic location: 9q32.
Variant type: single nucleotide variant.
Coding change: c.199G>A on transcript NM_032888.4 (MANE Select); coding-DNA position 199, G replaced by A.
Protein change: p.Val67Ile; replaces valine 67 with isoleucine.
Molecular consequence: missense variant.
Genome position (GRCh38, 1-based): chr9:114,167,754, G>A. VCF-style: chr9-114167754-G-A. GRCh37 (hg19) VCF-style: chr9-116930034-G-A.
Other names: short protein forms V67I.
Identifiers: ClinVar variation 1941608 (VCV001941608.3), dbSNP rs754520598, ClinGen allele CA374588642.

ClinVar aggregate classification (germline): Uncertain significance (1 of 4 stars; one submission).

Allele frequency attached by ClinVar (database versions not stated): gnomAD exomes below 0.00001.
gnomAD v4.1: 2 of 1,613,868 alleles (0.00012%); highest among the groups gnomAD compares: Admixed American, 0.0017%; no homozygotes.

Submission:

Labcorp Genetics (formerly Invitae), Labcorp
Classification: Uncertain significance. Last evaluated: 2026-01-19. Review status: criteria provided, single submitter. Criteria: Invitae Variant Classification Sherloc (09022015). Collection method: clinical testing. Allele origin: germline.
Comment: This sequence change replaces valine, which is neutral and non-polar, with isoleucine, which is neutral and non-polar, at codon 67 of the COL27A1 protein (p.Val67Ile). This variant is present in population databases (no rsID available, gnomAD 0.003%). This variant has not been reported in the literature in individuals affected with COL27A1-related conditions. ClinVar contains an entry for this variant (Variation ID: 1941608). Invitae Evidence Modeling of protein sequence and biophysical properties (such as structural, functional, and spatial information, amino acid conservation, physicochemical variation, residue mobility, and thermodynamic stability) indicates that this missense variant is not expected to disrupt COL27A1 protein function with a negative predictive value of 95%. In summary, the available evidence is currently insufficient to determine the role of this variant in disease. Therefore, it has been classified as a Variant of Uncertain Significance.